The following is an entry in ClinVar:

NM_016277.5(RAB23):c.177_183del (p.Arg59fs)

Gene: RAB23 (RAB23, member RAS oncogene family; minus strand). Cytogenetic location: 6p11.2.
Variant type: Deletion.
Coding change: c.177_183del on transcript NM_016277.5 (MANE Select); coding-DNA positions 177 to 183, 7 bases deleted (ACTAATG; older notation c.177_183delACTAATG).
Protein change: p.Arg59fs; shifts the reading frame from arginine 59.
Molecular consequence: frameshift variant.
Genome position (GRCh38, 1-based): chr6:57,207,686-57,207,692, CATTAGT deleted on the plus strand (ACTAATG on the coding strand, the reverse complement: RAB23 is on the minus strand); deleting any 7 consecutive bases within chr6:57,207,686-57,207,693 gives the same sequence; the c. name uses the placement nearest the transcript's 3' end. VCF-style (leftmost placement, unchanged base first): chr6-57207685-ACATTAGT-A. GRCh37 (hg19) VCF-style: chr6-57072483-ACATTAGT-A.
Other names: c.177_183del, p.Arg59fs (NM_001278666.2, NM_001278667.2, NM_001278668.2 and 1 more transcripts); short protein forms R59fs.
Identifiers: ClinVar variation 4817033 (VCV004817033.1).

ClinVar aggregate classification (germline): Likely pathogenic (1 of 4 stars; one submission).

Conditions:
RAB23-related Carpenter syndrome. Also called: Carpenter syndrome 1; ACPS II. Identifiers: Orphanet 65759, MedGen C4551510, MONDO:0008710, OMIM 201000.

Submission:

Natera, Inc.
Classification: Likely pathogenic for Carpenter syndrome 1. Last evaluated: 2025-12-07. Review status: criteria provided, single submitter. Criteria: Natera Variant Classification Schema (03/2026). Collection method: clinical testing. Allele origin: germline.
Comment: The c.177_183del variant in RAB23 is a frameshift variant predicted to shift the reading frame beginning at codon 59 and leads to a stop codon 47 codons downstream. This variant is expected to result in nonsense mediated decay, truncation, or a dysfunctional protein product. This variant is rare in the general population with a frequency below the threshold expected for the associated phenotype(s). Given the available evidence, this variant is classified as Likely Pathogenic.